The following is an entry in ClinVar:

ClinVar aggregate classification (germline): Uncertain significance. Review status: criteria provided, multiple submitters, no conflicts (2 of 4 stars). 3 submissions from 3 submitters: Uncertain significance (3). Last evaluated 2025-08-17.

Conditions:
Hereditary cancer-predisposing syndrome. Also called: Tumor predisposition; Hereditary neoplastic syndrome; Neoplastic Syndromes, Hereditary; Hereditary Cancer Syndrome. Identifiers: Orphanet 140162, MedGen C0027672, MeSH D009386, MONDO:0015356.
BAP1-related tumor predisposition syndrome (TPDS1). Also called: TUMOR PREDISPOSITION SYNDROME 1; Tumor susceptibility linked to germline BAP1 mutations; BAP1 tumor predisposition syndrome; COMMON Syndrome. Identifiers: Orphanet 289539, MedGen C3280492, MONDO:0013692, OMIM 614327.

Submissions (3):

Labcorp Genetics (formerly Invitae), Labcorp
Classification: Uncertain significance for BAP1-related tumor predisposition syndrome. Last evaluated: 2025-08-17. Review status: criteria provided, single submitter. Criteria: Invitae Variant Classification Sherloc (09022015). Collection method: clinical testing. Allele origin: germline.
Comment: This sequence change replaces arginine, which is basic and polar, with tryptophan, which is neutral and slightly polar, at codon 717 of the BAP1 protein (p.Arg717Trp). The frequency data for this variant in the population databases is considered unreliable, as metrics indicate poor data quality at this position in the gnomAD database. This variant has not been reported in the literature in individuals affected with BAP1-related conditions. ClinVar contains an entry for this variant (Variation ID: 957687). Invitae Evidence Modeling of protein sequence and biophysical properties (such as structural, functional, and spatial information, amino acid conservation, physicochemical variation, residue mobility, and thermodynamic stability) indicates that this missense variant is not expected to disrupt BAP1 protein function with a negative predictive value of 80%. In summary, the available evidence is currently insufficient to determine the role of this variant in disease. Therefore, it has been classified as a Variant of Uncertain Significance.

Ambry Genetics
Classification: Uncertain significance for Hereditary cancer-predisposing syndrome. Last evaluated: 2024-01-22. Review status: criteria provided, single submitter. Criteria: Ambry Variant Classification Scheme 2023. Collection method: clinical testing. Allele origin: germline.
Comment: The p.R717W variant (also known as c.2149C>T), located in coding exon 17 of the BAP1 gene, results from a C to T substitution at nucleotide position 2149. The arginine at codon 717 is replaced by tryptophan, an amino acid with dissimilar properties. This amino acid position is highly conserved in available vertebrate species. In addition, this alteration is predicted to be tolerated by in silico analysis. Based on the available evidence, the clinical significance of this alteration remains unclear.

Mendelics
Classification: Uncertain significance. Last evaluated: 2022-05-04. Review status: criteria provided, single submitter. Criteria: Mendelics Assertion Criteria 2019. Collection method: clinical testing. Allele origin: germline.

NM_004656.4(BAP1):c.2149C>T (p.Arg717Trp)

Gene: BAP1 (BRCA1 associated deubiquitinase 1; minus strand). Cytogenetic location: 3p21.1.
Variant type: single nucleotide variant.
Coding change: c.2149C>T on transcript NM_004656.4 (MANE Select); coding-DNA position 2149, C replaced by T.
Protein change: p.Arg717Trp; replaces arginine 717 with tryptophan.
Molecular consequence: missense variant.
Genome position (GRCh38, 1-based): chr3:52,402,329, G>A on the plus strand (C>T on the coding strand, the complement: BAP1 is on the minus strand). VCF-style: chr3-52402329-G-A. GRCh37 (hg19) VCF-style: chr3-52436345-G-A.
Other names: c.2149C>T (NM_004656.2); short protein forms R717W.
Identifiers: ClinVar variation 957687 (VCV000957687.9), dbSNP rs1451498951, ClinGen allele CA353094113.